The following is an entry in ClinVar:

ClinVar aggregate classification (germline): Uncertain significance. Review status: criteria provided, single submitter (1 of 4 stars). 2 submissions from 2 submitters: Uncertain significance (1). 1 of the submissions does not count toward it. Last evaluated 2022-01-07.

Conditions:
Retinitis pigmentosa 28 (RP28). Identifiers: Orphanet 791, MedGen C1419614, MONDO:0011630, OMIM 606068.

Allele frequency attached by ClinVar (database versions not stated): TOPMed below 0.00001; gnomAD 0.00001.
gnomAD v4.1: 1 of 1,613,854 alleles (0.000062%); highest among the groups gnomAD compares: African/African-American, 0.0013%; no homozygotes.

Submissions (2):

Labcorp Genetics (formerly Invitae), Labcorp
Classification: Uncertain significance. Last evaluated: 2022-01-07. Review status: criteria provided, single submitter. Criteria: Invitae Variant Classification Sherloc (09022015). Collection method: clinical testing. Allele origin: germline.
Comment: In summary, the available evidence is currently insufficient to determine the role of this variant in disease. Therefore, it has been classified as a Variant of Uncertain Significance. Algorithms developed to predict the effect of missense changes on protein structure and function are either unavailable or do not agree on the potential impact of this missense change (SIFT: "Tolerated"; PolyPhen-2: "Possibly Damaging"; Align-GVGD: "Class C0"). ClinVar contains an entry for this variant (Variation ID: 1052255). This variant has not been reported in the literature in individuals affected with FAM161A-related conditions. This variant is not present in population databases (gnomAD no frequency). This sequence change replaces lysine, which is basic and polar, with glutamic acid, which is acidic and polar, at codon 259 of the FAM161A protein (p.Lys259Glu).

Natera, Inc.
Classification: Uncertain significance for Retinitis pigmentosa type 28. Last evaluated: 2020-12-30. Review status: no assertion criteria provided. Collection method: clinical testing. Allele origin: germline. Not counted in ClinVar's aggregate classification.

NM_001201543.2(FAM161A):c.775A>G (p.Lys259Glu)

Gene: FAM161A (FAM161 centrosomal protein A; minus strand). Cytogenetic location: 2p15.
Variant type: single nucleotide variant.
Coding change: c.775A>G on transcript NM_001201543.2 (MANE Select); coding-DNA position 775, A replaced by G.
Protein change: p.Lys259Glu; replaces lysine 259 with glutamic acid.
Molecular consequence: missense variant. On other transcripts: non-coding transcript variant (1).
Genome position (GRCh38, 1-based): chr2:61,840,229, T>C on the plus strand (A>G on the coding strand, the complement: FAM161A is on the minus strand). VCF-style: chr2-61840229-T-C. GRCh37 (hg19) VCF-style: chr2-62067364-T-C.
Other names: c.775A>G, p.Lys259Glu (NM_032180.3); short protein forms K259E.
Identifiers: ClinVar variation 1052255 (VCV001052255.11), dbSNP rs1227350190, ClinGen allele CA346988292.
Genomic context (GRCh38, chr2:61,840,229, plus strand): 5'-TATACTCTGGATCCTCTTCTTGTTTTTTGAGCGCTTTATGTACCATTTCGATATCTGATT[T>C]AGATTTCATGGACTCTTCTTTTTTCTTCTGTTCTCTTATCATCATTTGAAAAGGCTCCGG-3'
Protein context (NP_001188472.1, residues 249-269): QKKKEESMKS[Lys259Glu]SDIEMVHKAL